The following is an entry in ClinVar:

ClinVar aggregate classification (germline): Benign/Likely benign. Review status: criteria provided, multiple submitters, no conflicts (2 of 4 stars). 4 submissions from 4 submitters: Benign (1); Likely benign (2). 1 of the submissions does not count toward it. Last evaluated 2026-01-28.

Conditions:
ASL-related disorder. Also called: ASL-related condition.
Argininosuccinate lyase deficiency. Also called: Argininosuccinic aciduria; ARGININOSUCCINIC ACID LYASE DEFICIENCY; ASL DEFICIENCY. Identifiers: Orphanet 23, MedGen C0268547, MONDO:0008815, OMIM 207900, HP:0025630.

Allele frequency attached by ClinVar (database versions not stated): gnomAD exomes 0.00041; ExAC 0.00049; 1000 Genomes Project 30x 0.00141; ESP Exome Variant Server 0.00154; gnomAD 0.00169 and 0.00185; 1000 Genomes Project 0.00180; TOPMed 0.00196.
gnomAD v4.1: 463 of 1,610,572 alleles (0.029%); highest among the groups gnomAD compares: African/African-American, 0.55%; 1 homozygote.

Submissions (4):

Labcorp Genetics (formerly Invitae), Labcorp
Classification: Benign for Argininosuccinate lyase deficiency. Last evaluated: 2026-01-28. Review status: criteria provided, single submitter. Criteria: Invitae Variant Classification Sherloc (09022015). Collection method: clinical testing. Allele origin: germline.

Blueprint Genetics
Classification: Likely benign. Last evaluated: 2024-09-02. Review status: criteria provided, single submitter. Criteria: ACMG Guidelines, 2015. Collection method: clinical testing. Allele origin: germline.

GeneDx
Classification: Likely benign. Last evaluated: 2019-04-01. Review status: criteria provided, single submitter. Criteria: GeneDx Variant Classification Process June 2021. Collection method: clinical testing. Allele origin: germline. Affected: yes.

PreventionGenetics, part of Exact Sciences
Classification: Likely benign for ASL-related condition. Last evaluated: 2019-06-18. Review status: no assertion criteria provided. Collection method: clinical testing. Allele origin: germline. Not counted in ClinVar's aggregate classification.
Comment: This variant is classified as likely benign based on ACMG/AMP sequence variant interpretation guidelines (Richards et al. 2015 PMID: 25741868, with internal and published modifications).

NM_000048.4(ASL):c.927G>T (p.Gly309=)

Gene: ASL (argininosuccinate lyase; plus strand). Cytogenetic location: 7q11.21.
Variant type: single nucleotide variant.
Coding change: c.927G>T on transcript NM_000048.4 (MANE Select); coding-DNA position 927, G replaced by T.
Protein change: p.Gly309=; no amino-acid change (glycine 309 retained).
Molecular consequence: synonymous variant. On other transcripts: intron variant (1).
Genome position (GRCh38, 1-based): chr7:66,089,284, G>T. VCF-style: chr7-66089284-G-T. GRCh37 (hg19) VCF-style: chr7-65554271-G-T.
Other names: c.927G>T, p.Gly309= (NM_001024943.2); c.849G>T, p.Gly283= (NM_001024946.2); c.918+109G>T (NM_001024944.2).
Identifiers: ClinVar variation 388245 (VCV000388245.18), dbSNP rs151294789, ClinGen allele CA4277204.